The following is an entry in ClinVar:

ClinVar aggregate classification (germline): Uncertain significance. Review status: criteria provided, multiple submitters, no conflicts (2 of 4 stars). 2 submissions from 2 submitters: Uncertain significance (2). Last evaluated 2025-07-10.

Allele frequency attached by ClinVar (database versions not stated): gnomAD 0.00015; gnomAD exomes 0.00027; ExAC 0.00009; TOPMed 0.00011.
gnomAD v4.1: 413 of 1,613,984 alleles (0.026%); highest among the groups gnomAD compares: Non-Finnish European, 0.034%; no homozygotes.

Submissions (2):

Labcorp Genetics (formerly Invitae), Labcorp
Classification: Uncertain significance. Last evaluated: 2025-07-10. Review status: criteria provided, single submitter. Criteria: Invitae Variant Classification Sherloc (09022015). Collection method: clinical testing. Allele origin: germline.
Comment: This sequence change replaces aspartic acid, which is acidic and polar, with histidine, which is basic and polar, at codon 922 of the ROR1 protein (p.Asp922His). This variant is present in population databases (rs772431647, gnomAD 0.02%). This variant has not been reported in the literature in individuals affected with ROR1-related conditions. ClinVar contains an entry for this variant (Variation ID: 2358827). An algorithm developed to predict the effect of missense changes on protein structure and function (PolyPhen-2) suggests that this variant is likely to be disruptive. In summary, the available evidence is currently insufficient to determine the role of this variant in disease. Therefore, it has been classified as a Variant of Uncertain Significance.

Ambry Genetics
Classification: Uncertain significance. Last evaluated: 2025-02-08. Review status: criteria provided, single submitter. Criteria: Ambry Variant Classification Scheme 2023. Collection method: clinical testing. Allele origin: germline.

NM_005012.4(ROR1):c.2764G>C (p.Asp922His)

Gene: ROR1 (receptor tyrosine kinase like orphan receptor 1; plus strand). Cytogenetic location: 1p31.3.
Variant type: single nucleotide variant.
Coding change: c.2764G>C on transcript NM_005012.4 (MANE Select); coding-DNA position 2764, G replaced by C.
Protein change: p.Asp922His; replaces aspartic acid 922 with histidine.
Molecular consequence: missense variant.
Genome position (GRCh38, 1-based): chr1:64,178,805, G>C. VCF-style: chr1-64178805-G-C. GRCh37 (hg19) VCF-style: chr1-64644488-G-C.
Other names: short protein forms D922H.
Identifiers: ClinVar variation 2358827 (VCV002358827.6), dbSNP rs772431647, ClinGen allele CA890467.